The following is an entry in ClinVar:

NM_004370.6(COL12A1):c.8122A>G (p.Ile2708Val)

Gene: COL12A1 (collagen type XII alpha 1 chain; minus strand). Cytogenetic location: 6q13.
Variant type: single nucleotide variant.
Coding change: c.8122A>G on transcript NM_004370.6 (MANE Select); coding-DNA position 8122, A replaced by G.
Protein change: p.Ile2708Val; replaces isoleucine 2708 with valine.
Molecular consequence: missense variant.
Genome position (GRCh38, 1-based): chr6:75,106,475, T>C on the plus strand (A>G on the coding strand, the complement: COL12A1 is on the minus strand). VCF-style: chr6-75106475-T-C. GRCh37 (hg19) VCF-style: chr6-75816191-T-C.
Other names: c.8122A>G, p.Ile2708Val (NM_001424113.1); c.8101A>G, p.Ile2701Val (NM_001424114.1); c.7849A>G, p.Ile2617Val (NM_001424115.1); c.4630A>G, p.Ile1544Val (NM_001424116.1, NM_080645.3); short protein forms I1544V, I2617V, I2701V, I2708V.
Identifiers: ClinVar variation 2923925 (VCV002923925.5), dbSNP rs1287930104, ClinGen allele CA364741381.

ClinVar aggregate classification (germline): Uncertain significance. Review status: criteria provided, multiple submitters, no conflicts (2 of 4 stars). 2 submissions from 2 submitters: Uncertain significance (2). Last evaluated 2026-01-08.

Conditions:
Bethlem myopathy 2 (BTHLM2). Identifiers: Orphanet 536516, Orphanet 610, MedGen C4225313, MONDO:0034022, OMIM 616471.
Ullrich congenital muscular dystrophy 2 (UCMD2). Identifiers: Orphanet 75840, MedGen C4225314, MONDO:0014654, OMIM 616470.

Allele frequency attached by ClinVar (database versions not stated): gnomAD exomes below 0.00001.
gnomAD v4.1: 2 of 1,613,938 alleles (0.00012%); highest among the groups gnomAD compares: Non-Finnish European, 0.000085%; no homozygotes.

Submissions (2):

Dasa
Classification: Uncertain significance. Last evaluated: 2026-01-08. Review status: criteria provided, single submitter. Criteria: DASA Assertion Criteria. Collection method: clinical testing. Allele origin: germline.
Comment: NM_004370.6(COL12A1):c.8122A>G (p.Ile2708Val) is a missense variant that results in the substitution of isoleucine with valine. This variant is rare in population databases. The currently available literature and clinical evidence are not sufficient to establish a definitive association between this variant and the reported condition. Therefore, this variant is classified as a variant of uncertain significance.

Labcorp Genetics (formerly Invitae), Labcorp
Classification: Uncertain significance for Bethlem myopathy 2; Ullrich congenital muscular dystrophy 2. Last evaluated: 2023-11-17. Review status: criteria provided, single submitter. Criteria: Invitae Variant Classification Sherloc (09022015). Collection method: clinical testing. Allele origin: germline.
Comment: This sequence change replaces isoleucine, which is neutral and non-polar, with valine, which is neutral and non-polar, at codon 2708 of the COL12A1 protein (p.Ile2708Val). This variant is present in population databases (no rsID available, gnomAD 0.0009%). This variant has not been reported in the literature in individuals affected with COL12A1-related conditions. Advanced modeling of protein sequence and biophysical properties (such as structural, functional, and spatial information, amino acid conservation, physicochemical variation, residue mobility, and thermodynamic stability) performed at Invitae indicates that this missense variant is not expected to disrupt COL12A1 protein function with a negative predictive value of 80%. In summary, the available evidence is currently insufficient to determine the role of this variant in disease. Therefore, it has been classified as a Variant of Uncertain Significance.